The following is an entry in ClinVar:

ClinVar aggregate classification (germline): Uncertain significance (1 of 4 stars; one submission).

Conditions:
Hypertrophic cardiomyopathy. Also called: HYPERTROPHIC MYOCARDIOPATHY. Identifiers: Orphanet 217569, MedGen C0007194, MeSH D002312, MONDO:0005045, HP:0001639.

Submission:

Labcorp Genetics (formerly Invitae), Labcorp
Classification: Uncertain significance for Hypertrophic cardiomyopathy. Last evaluated: 2024-10-18. Review status: criteria provided, single submitter. Criteria: Invitae Variant Classification Sherloc (09022015). Collection method: clinical testing. Allele origin: germline.
Comment: This sequence change replaces isoleucine, which is neutral and non-polar, with valine, which is neutral and non-polar, at codon 829 of the MYOM1 protein (p.Ile829Val). This variant is not present in population databases (gnomAD no frequency). This variant has not been reported in the literature in individuals affected with MYOM1-related conditions. ClinVar contains an entry for this variant (Variation ID: 1720669). Invitae Evidence Modeling of protein sequence and biophysical properties (such as structural, functional, and spatial information, amino acid conservation, physicochemical variation, residue mobility, and thermodynamic stability) indicates that this missense variant is not expected to disrupt MYOM1 protein function with a negative predictive value of 80%. In summary, the available evidence is currently insufficient to determine the role of this variant in disease. Therefore, it has been classified as a Variant of Uncertain Significance.

NM_003803.4(MYOM1):c.2485A>G (p.Ile829Val)

Gene: MYOM1 (myomesin 1; minus strand). Cytogenetic location: 18p11.31.
Variant type: single nucleotide variant.
Coding change: c.2485A>G on transcript NM_003803.4 (MANE Select); coding-DNA position 2485, A replaced by G.
Protein change: p.Ile829Val; replaces isoleucine 829 with valine.
Molecular consequence: missense variant.
Genome position (GRCh38, 1-based): chr18:3,131,396, T>C on the plus strand (A>G on the coding strand, the complement: MYOM1 is on the minus strand). VCF-style: chr18-3131396-T-C. GRCh37 (hg19) VCF-style: chr18-3131394-T-C.
Other names: c.2485A>G, p.Ile829Val (NM_019856.2); short protein forms I829V.
Identifiers: ClinVar variation 1720669 (VCV001720669.5), dbSNP rs1241528854, ClinGen allele CA401711131.
Genomic context (GRCh38, chr18:3,131,396, plus strand): 5'-TCCATTTTTCCCCCATACAGTTATGCATAAGGAACTTACCAATAGCAGCTTTGACTTCAA[T>C]AGCTTCTGAATCCTGGGAATATTCACTAAGTCCAGCTGCATTGACTGCTCTGACCCGGAA-3'
Protein context (NP_003794.3, residues 819-839): LSEYSQDSEA[Ile829Val]EVKAAIGGGV